The following is an entry in ClinVar:

NM_002474.3(MYH11):c.1207G>T (p.Val403Phe)

Gene: MYH11 (myosin heavy chain 11; minus strand). Cytogenetic location: 16p13.11.
Variant type: single nucleotide variant.
Coding change: c.1207G>T on transcript NM_002474.3 (MANE Select); coding-DNA position 1207, G replaced by T.
Protein change: p.Val403Phe; replaces valine 403 with phenylalanine.
Molecular consequence: missense variant.
Genome position (GRCh38, 1-based): chr16:15,760,581, C>A on the plus strand (G>T on the coding strand, the complement: MYH11 is on the minus strand). VCF-style: chr16-15760581-C-A. GRCh37 (hg19) VCF-style: chr16-15854438-C-A.
Other names: c.1228G>T, p.Val410Phe (NM_001040114.2, NM_001040113.2); c.1207G>T, p.Val403Phe (NM_022844.3); c.1207G>T (NM_002474.2); short protein forms V410F, V403F.
Identifiers: ClinVar variation 921999 (VCV000921999.7), dbSNP rs748924540, ClinGen allele CA394872925.

ClinVar aggregate classification (germline): Uncertain significance. Review status: criteria provided, multiple submitters, no conflicts (2 of 4 stars). 3 submissions from 3 submitters: Uncertain significance (3). Last evaluated 2025-06-05.

Conditions:
Aortic aneurysm, familial thoracic 4 (AAT4). Also called: AORTIC ANEURYSM/AORTIC DISSECTION AND PATENT DUCTUS ARTERIOSUS. Identifiers: MedGen C1851504, MONDO:0007568, OMIM 132900.
Familial thoracic aortic aneurysm and aortic dissection (TAAD). Also called: Thoracic aortic aneurysms and dissections. Identifiers: Orphanet 91387, MedGen C4707243, MONDO:0019625.

Allele frequency attached by ClinVar (database versions not stated): TOPMed 0.00001.
gnomAD v4.1: 2 of 1,614,132 alleles (0.00012%); highest among the groups gnomAD compares: Non-Finnish European, 0.00017%; no homozygotes.

Submissions (3):

GeneDx
Classification: Uncertain significance. Last evaluated: 2025-06-05. Review status: criteria provided, single submitter. Criteria: GeneDx Variant Classification Process June 2021. Collection method: clinical testing. Allele origin: germline. Affected: yes.
Comment: Not observed at significant frequency in large population cohorts (gnomAD); In silico analysis supports that this missense variant has a deleterious effect on protein structure/function; Has not been previously published as pathogenic or benign to our knowledge

Labcorp Genetics (formerly Invitae), Labcorp
Classification: Uncertain significance for Aortic aneurysm, familial thoracic 4. Last evaluated: 2024-07-06. Review status: criteria provided, single submitter. Criteria: Invitae Variant Classification Sherloc (09022015). Collection method: clinical testing. Allele origin: germline.
Comment: This sequence change replaces valine, which is neutral and non-polar, with phenylalanine, which is neutral and non-polar, at codon 410 of the MYH11 protein (p.Val410Phe). This variant is present in population databases (no rsID available, gnomAD 0.0009%). This variant has not been reported in the literature in individuals affected with MYH11-related conditions. ClinVar contains an entry for this variant (Variation ID: 921999). Advanced modeling of protein sequence and biophysical properties (such as structural, functional, and spatial information, amino acid conservation, physicochemical variation, residue mobility, and thermodynamic stability) has been performed at Invitae for this missense variant, however the output from this modeling did not meet the statistical confidence thresholds required to predict the impact of this variant on MYH11 protein function. In summary, the available evidence is currently insufficient to determine the role of this variant in disease. Therefore, it has been classified as a Variant of Uncertain Significance.

Color Diagnostics, LLC DBA Color Health
Classification: Uncertain significance for Familial thoracic aortic aneurysm and aortic dissection. Last evaluated: 2024-03-06. Review status: criteria provided, single submitter. Criteria: ACMG Guidelines, 2015. Collection method: clinical testing. Allele origin: germline.
Comment: This missense variant replaces valine with phenylalanine at codon 410 of the MYH11 protein. Computational prediction suggests that this variant may have deleterious impact on protein structure and function (internally defined REVEL score threshold >= 0.7, PMID: 27666373). To our knowledge, functional studies have not been reported for this variant. This variant has not been reported in individuals affected with cardiovascular disorders in the literature. This variant has been identified in 1/251494 chromosomes in the general population by the Genome Aggregation Database (gnomAD). The available evidence is insufficient to determine the role of this variant in disease conclusively. Therefore, this variant is classified as a Variant of Uncertain Significance.